The following is an entry in ClinVar:

ClinVar aggregate classification (germline): Uncertain significance. Review status: criteria provided, multiple submitters, no conflicts (2 of 4 stars). 2 submissions from 2 submitters: Uncertain significance (2). Last evaluated 2022-02-18.

Conditions:
Kleefstra syndrome 1 (KLEFS1). Identifiers: Orphanet 261494, MedGen C0795833, MONDO:0027407, OMIM 610253.

Submissions (2):

GeneDx
Classification: Uncertain significance. Last evaluated: 2022-02-18. Review status: criteria provided, single submitter. Criteria: GeneDx Variant Classification Process June 2021. Collection method: clinical testing. Allele origin: germline. Affected: yes.
Comment: Not observed at significant frequency in large population cohorts (gnomAD); In silico analysis supports that this missense variant does not alter protein structure/function; Has not been previously published as pathogenic or benign to our knowledge

Labcorp Genetics (formerly Invitae), Labcorp
Classification: Uncertain significance for Kleefstra syndrome 1. Last evaluated: 2020-02-12. Review status: criteria provided, single submitter. Criteria: Invitae Variant Classification Sherloc (09022015). Collection method: clinical testing. Allele origin: germline.
Comment: This variant is not present in population databases (ExAC no frequency). This sequence change replaces threonine with arginine at codon 87 of the EHMT1 protein (p.Thr87Arg). The threonine residue is weakly conserved and there is a moderate physicochemical difference between threonine and arginine. This variant has not been reported in the literature in individuals with EHMT1-related conditions. Algorithms developed to predict the effect of missense changes on protein structure and function output the following: SIFT: "Tolerated"; PolyPhen-2: "Benign"; Align-GVGD: "Class C0". The arginine amino acid residue is found in multiple mammalian species, suggesting that this missense change does not adversely affect protein function. These predictions have not been confirmed by published functional studies and their clinical significance is uncertain. In summary, the available evidence is currently insufficient to determine the role of this variant in disease. Therefore, it has been classified as a Variant of Uncertain Significance.

NM_024757.5(EHMT1):c.260C>G (p.Thr87Arg)

Gene: EHMT1 (euchromatic histone lysine methyltransferase 1; plus strand). Cytogenetic location: 9q34.3.
Variant type: single nucleotide variant.
Coding change: c.260C>G on transcript NM_024757.5 (MANE Select); coding-DNA position 260, C replaced by G.
Protein change: p.Thr87Arg; replaces threonine 87 with arginine.
Molecular consequence: missense variant.
Genome position (GRCh38, 1-based): chr9:137,716,800, C>G. VCF-style: chr9-137716800-C-G. GRCh37 (hg19) VCF-style: chr9-140611252-C-G.
Other names: c.260C>G, p.Thr87Arg (NM_001145527.2, NM_001354263.2, NM_001354611.2); c.167C>G, p.Thr56Arg (NM_001354259.2, NM_001354612.2); short protein forms T56R, T87R.
Identifiers: ClinVar variation 1035080 (VCV001035080.12), dbSNP rs1945359738, ClinGen allele CA375763763.